The following is an entry in ClinVar:

ClinVar aggregate classification (germline): Uncertain significance (1 of 4 stars; one submission).

Allele frequency attached by ClinVar (database versions not stated): ExAC 0.00001; gnomAD exomes 0.00002 and 0.00004; gnomAD 0.00003; TOPMed 0.00003.
gnomAD v4.1: 59 of 1,583,546 alleles (0.0037%); highest among the groups gnomAD compares: Non-Finnish European, 0.0049%; no homozygotes.

Submission:

Labcorp Genetics (formerly Invitae), Labcorp
Classification: Uncertain significance. Last evaluated: 2025-11-23. Review status: criteria provided, single submitter. Criteria: Invitae Variant Classification Sherloc (09022015). Collection method: clinical testing. Allele origin: germline.
Comment: This sequence change replaces proline, which is neutral and non-polar, with serine, which is neutral and polar, at codon 488 of the ERBIN protein (p.Pro488Ser). This variant is present in population databases (rs762427667, gnomAD 0.004%). This variant has not been reported in the literature in individuals affected with ERBIN-related conditions. ClinVar contains an entry for this variant (Variation ID: 1408288). An algorithm developed to predict the effect of missense changes on protein structure and function (PolyPhen-2) suggests that this variant is likely to be disruptive. In summary, the available evidence is currently insufficient to determine the role of this variant in disease. Therefore, it has been classified as a Variant of Uncertain Significance.

NM_001253697.2(ERBIN):c.1462C>T (p.Pro488Ser)

Gene: ERBIN (erbb2 interacting protein; plus strand). Cytogenetic location: 5q12.3.
Variant type: single nucleotide variant.
Coding change: c.1462C>T on transcript NM_001253697.2 (MANE Select); coding-DNA position 1462, C replaced by T.
Protein change: p.Pro488Ser; replaces proline 488 with serine.
Molecular consequence: missense variant.
Genome position (GRCh38, 1-based): chr5:66,044,170, C>T. VCF-style: chr5-66044170-C-T. GRCh37 (hg19) VCF-style: chr5-65339998-C-T.
Other names: c.1462C>T, p.Pro488Ser (NM_001006600.3, NM_001253698.2, NM_001253699.2 and 2 more transcripts); short protein forms P488S.
Identifiers: ClinVar variation 1408288 (VCV001408288.6), dbSNP rs762427667, ClinGen allele CA3286265.
Genomic context (GRCh38, chr5:66,044,170, plus strand): 5'-CATATTTTACTTATTTTATTTCTCTAGGAGGGAAATTTAAAAAGATATCCAACACCATAC[C>T]CAGATGAGCTTAAGAATATGGTCAAAACTGTTCAAACCATTGTACATAGATTAAAAGATG-3'
Protein context (NP_001240626.1, residues 478-498): GNLKRYPTPY[Pro488Ser]DELKNMVKTV